The following is an entry in ClinVar:

ClinVar aggregate classification (germline): Likely benign. Review status: criteria provided, multiple submitters, no conflicts (2 of 4 stars). 2 submissions from 2 submitters: Likely benign (2). Last evaluated 2025-11-03.

Conditions:
Developmental and epileptic encephalopathy 94 (DEE94). Also called: Epileptic encephalopathy, childhood-onset; CHD2-Related Neurodevelopmental Disorders. Identifiers: Orphanet 1942, Orphanet 2382, MedGen C3809278, MONDO:0014150, OMIM 615369.

Allele frequency attached by ClinVar (database versions not stated): gnomAD exomes 0.00001.
gnomAD v4.1: 5 of 1,613,960 alleles (0.00031%); highest among the groups gnomAD compares: East Asian, 0.0022%; no homozygotes.

Submissions (2):

Labcorp Genetics (formerly Invitae), Labcorp
Classification: Likely benign for Developmental and epileptic encephalopathy 94. Last evaluated: 2025-11-03. Review status: criteria provided, single submitter. Criteria: Invitae Variant Classification Sherloc (09022015). Collection method: clinical testing. Allele origin: germline.

GeneDx
Classification: Likely benign. Last evaluated: 2017-06-13. Review status: criteria provided, single submitter. Criteria: GeneDx Variant Classification (06012015). Collection method: clinical testing. Allele origin: germline. Affected: yes.
Comment: This variant is considered likely benign or benign based on one or more of the following criteria: it is a conservative change, it occurs at a poorly conserved position in the protein, it is predicted to be benign by multiple in silico algorithms, and/or has population frequency not consistent with disease.

NM_001271.4(CHD2):c.3903A>G (p.Thr1301=)

Gene: CHD2 (chromodomain helicase DNA binding protein 2; plus strand). Cytogenetic location: 15q26.1.
Variant type: single nucleotide variant.
Coding change: c.3903A>G on transcript NM_001271.4 (MANE Select); coding-DNA position 3903, A replaced by G.
Protein change: p.Thr1301=; no amino-acid change (threonine 1301 retained).
Molecular consequence: synonymous variant.
Genome position (GRCh38, 1-based): chr15:92,998,516, A>G. VCF-style: chr15-92998516-A-G. GRCh37 (hg19) VCF-style: chr15-93541746-A-G.
Identifiers: ClinVar variation 383704 (VCV000383704.6), dbSNP rs200766577, ClinGen allele CA16607955.
Genomic context (GRCh38, chr15:92,998,516, plus strand): 5'-GATGTGGGTGGTGGCGGGTGCTTCTCTTCCTTTCTTGTTGAAGATTCTGCCGGTGGAGAC[A>G]GATAAAAAGCCTCAGGGGAAGCAGCTACAGACCCGAGCGGATTACTTGTTGAAGCTGCTC-3'
Protein context (NP_001262.3, residues 1291-1311): KLTDKILPVE[Thr1301=]DKKPQGKQLQ